The following is an entry in ClinVar:

ClinVar aggregate classification (germline): Conflicting classifications of pathogenicity. Review status: criteria provided, conflicting classifications (1 of 4 stars). 4 submissions from 4 submitters: Uncertain significance (1); Likely benign (3). Last evaluated 2025-10-01.

Conditions:
Wilson disease (WND). Also called: Wilson's disease. Identifiers: Orphanet 905, MedGen C0019202, MONDO:0010200, OMIM 277900. Disease mechanism: loss of function.
Inborn genetic diseases. Identifiers: MedGen C0950123, MeSH D030342.

Allele frequency attached by ClinVar (database versions not stated): gnomAD exomes 0.00001; ExAC 0.00002; TOPMed 0.00004; gnomAD 0.00005.
gnomAD v4.1: 30 of 1,613,868 alleles (0.0019%); highest among the groups gnomAD compares: Middle Eastern, 0.033%; no homozygotes.

Submissions (4):

Labcorp Genetics (formerly Invitae), Labcorp
Classification: Likely benign for Wilson disease. Last evaluated: 2025-10-01. Review status: criteria provided, single submitter. Criteria: Invitae Variant Classification Sherloc (09022015). Collection method: clinical testing. Allele origin: germline.

Ambry Genetics
Classification: Likely benign for Inborn genetic diseases. Last evaluated: 2024-04-26. Review status: criteria provided, single submitter. Criteria: Ambry Variant Classification Scheme 2023. Collection method: clinical testing. Allele origin: germline.

Women's Health and Genetics/Laboratory Corporation of America, LabCorp
Classification: Likely benign. Last evaluated: 2023-11-15. Review status: criteria provided, single submitter. Criteria: LabCorp Variant Classification Summary - May 2015. Collection method: clinical testing. Allele origin: germline.

Color Diagnostics, LLC DBA Color Health
Classification: Uncertain significance for Wilson disease. Last evaluated: 2023-06-20. Review status: criteria provided, single submitter. Criteria: ACMG Guidelines, 2015. Collection method: clinical testing. Allele origin: germline.
Comment: This synonymous variant is located 236 bp upstream from the exon 2 splice donor site. A mini-gene splice assay has shown that this variant causes an out-of-frame skipping of exon 2 (PMID: 36343861). This variant has been observed in an individual affected with autosomal recessive Wilson disease in compound heterozygous state with a known pathogenic variant in the same gene (PMID: 36343861). This variant has been identified in 5/280778 chromosomes in the general population by the Genome Aggregation Database (gnomAD). The available evidence is insufficient to determine the role of this variant in disease conclusively. Therefore, this variant is classified as a Variant of Uncertain Significance.

Literature cited by the submitters: PubMed 36343861 (cited by Color Diagnostics, LLC DBA Color Health).

NM_000053.4(ATP7B):c.1050G>A (p.Pro350=)

Gene: ATP7B (ATPase copper transporting beta; minus strand). Cytogenetic location: 13q14.3.
Variant type: single nucleotide variant.
Coding change: c.1050G>A on transcript NM_000053.4 (MANE Select); coding-DNA position 1050, G replaced by A.
Protein change: p.Pro350=; no amino-acid change (proline 350 retained).
Molecular consequence: synonymous variant. On other transcripts: intron variant (1).
Genome position (GRCh38, 1-based): chr13:51,974,170, C>T on the plus strand (G>A on the coding strand, the complement: ATP7B is on the minus strand). VCF-style: chr13-51974170-C-T. GRCh37 (hg19) VCF-style: chr13-52548306-C-T.
Other names: c.1050G>A (NM_000053.3); c.1050G>A, p.Pro350= (NM_001005918.3, NM_001330578.2, NM_001330579.2); c.803-86G>A (NM_001243182.2).
Identifiers: ClinVar variation 1107331 (VCV001107331.11), dbSNP rs372191499, ClinGen allele CA6989448.
Genomic context (GRCh38, chr13:51,974,170, plus strand): 5'-ACAGGTCATGCCGGCAATGGCAATCAGAGTGGTACTGCATGTGCCCTGGACCTGGTTTCT[C>T]GGTGGGGAGCCAGGGGAATGAGAACTGGAAGACCTGTGATCTGTCCCACTCCCTTCGGCT-3'
Protein context (NP_000044.2, residues 340-360): SSSSHSPGSP[Pro350=]RNQVQGTCST